The following is an entry in ClinVar:

ClinVar aggregate classification (germline): Pathogenic (1 of 4 stars; one submission).

Submission:

Labcorp Genetics (formerly Invitae), Labcorp
Classification: Pathogenic. Last evaluated: 2025-05-28. Review status: criteria provided, single submitter. Criteria: Invitae Variant Classification Sherloc (09022015). Collection method: clinical testing. Allele origin: germline.
Comment: This sequence change creates a premature translational stop signal (p.Gln850*) in the ABCA3 gene. It is expected to result in an absent or disrupted protein product. Loss-of-function variants in ABCA3 are known to be pathogenic (PMID: 27516224). This variant is not present in population databases (gnomAD no frequency). This variant has not been reported in the literature in individuals affected with ABCA3-related conditions. For these reasons, this variant has been classified as Pathogenic.

Literature cited by the submitters: PubMed 27516224.

NM_001089.3(ABCA3):c.2548C>T (p.Gln850Ter)

Gene: ABCA3 (ATP binding cassette subfamily A member 3; minus strand). Cytogenetic location: 16p13.3.
Variant type: single nucleotide variant.
Coding change: c.2548C>T on transcript NM_001089.3 (MANE Select); coding-DNA position 2548, C replaced by T.
Protein change: p.Gln850Ter; replaces glutamine 850 with a stop codon.
Molecular consequence: nonsense.
Genome position (GRCh38, 1-based): chr16:2,289,586, G>A on the plus strand (C>T on the coding strand, the complement: ABCA3 is on the minus strand). VCF-style: chr16-2289586-G-A. GRCh37 (hg19) VCF-style: chr16-2339587-G-A.
Other names: short protein forms Q850*.
Identifiers: ClinVar variation 4720415 (VCV004720415.1).